The following is an entry in ClinVar:

ClinVar aggregate classification (germline): Uncertain significance (1 of 4 stars; one submission).

Conditions:
DICER1-related tumor predisposition. Also called: DICER1 syndrome; DICER1-related pleuropulmonary blastoma cancer predisposition syndrome. Identifiers: Orphanet 284343, MedGen C3839822, MONDO:0100216.

Allele frequency attached by ClinVar (database versions not stated): gnomAD exomes below 0.00001.
gnomAD v4.1: 2 of 1,613,908 alleles (0.00012%); highest among the groups gnomAD compares: Non-Finnish European, 0.00017%; no homozygotes.

Submission:

Labcorp Genetics (formerly Invitae), Labcorp
Classification: Uncertain significance for DICER1-related tumor predisposition. Last evaluated: 2021-06-29. Review status: criteria provided, single submitter. Criteria: Invitae Variant Classification Sherloc (09022015). Collection method: clinical testing. Allele origin: germline.
Comment: Algorithms developed to predict the effect of missense changes on protein structure and function are either unavailable or do not agree on the potential impact of this missense change (SIFT: "Tolerated"; PolyPhen-2: "Possibly Damaging"; Align-GVGD: "Class C0"). This variant has not been reported in the literature in individuals with DICER1-related conditions. This variant is not present in population databases (ExAC no frequency). This sequence change replaces arginine with lysine at codon 342 of the DICER1 protein (p.Arg342Lys). The arginine residue is highly conserved and there is a small physicochemical difference between arginine and lysine. In summary, the available evidence is currently insufficient to determine the role of this variant in disease. Therefore, it has been classified as a Variant of Uncertain Significance.

NM_177438.3(DICER1):c.1025G>A (p.Arg342Lys)

Gene: DICER1 (dicer 1, ribonuclease III; minus strand). Cytogenetic location: 14q32.13.
Variant type: single nucleotide variant.
Coding change: c.1025G>A on transcript NM_177438.3 (MANE Select); coding-DNA position 1025, G replaced by A.
Protein change: p.Arg342Lys; replaces arginine 342 with lysine.
Molecular consequence: missense variant.
Genome position (GRCh38, 1-based): chr14:95,124,547, C>T on the plus strand (G>A on the coding strand, the complement: DICER1 is on the minus strand). VCF-style: chr14-95124547-C-T. GRCh37 (hg19) VCF-style: chr14-95590884-C-T.
Other names: c.1025G>A, p.Arg342Lys (NM_001195573.1, NM_001271282.3, NM_001291628.2 and 1 more transcripts); short protein forms R342K.
Identifiers: ClinVar variation 1379473 (VCV001379473.9), dbSNP rs2140206595, ClinGen allele CA390887134.